The following is an entry in ClinVar:

NC_012920.1(MT-ATP6):m.9100A>G

Gene: MT-ATP6 (mitochondrially encoded ATP synthase 6; plus strand).
Variant type: single nucleotide variant.
Genome position: chrM-9100-A-G.
Identifiers: ClinVar variation 693091 (VCV000693091.1), dbSNP rs1603222068, ClinGen allele CA414802211.

ClinVar aggregate classification (germline): Benign (1 of 4 stars; one submission).

Conditions:
Leigh syndrome (NULS). Also called: Leigh's necrotizing encephalopathy; Leigh's disease; Leigh Syndrome (mtDNA deletion); Leigh Disease; Subacute necrotizing encephalopathy; Necrotizing encephalopathy infantile subacute of Leigh. Identifiers: Orphanet 506, MedGen C2931891, MONDO:0009723, OMIM 256000.

Submission:

Wong Mito Lab, Molecular and Human Genetics, Baylor College of Medicine
Classification: Benign for Leigh syndrome. Last evaluated: 2019-10-17. Review status: criteria provided, single submitter. Criteria: Modified ACMG Guidelines (Unpublished). Collection method: clinical testing. Allele origin: germline.
Comment: The NC_012920.1:m.9100A>G (YP_003024031.1:p.Ile192Val) variant in MTATP6 gene is interpretated to be a Benign variant based on the modified ACMG guidelines (unpublished). This variant meets the following evidence codes: BS1, BS4, BP4